The following is an entry in ClinVar:

NM_004369.4(COL6A3):c.8572G>A (p.Val2858Ile)

Gene: COL6A3 (collagen type VI alpha 3 chain; minus strand). Cytogenetic location: 2q37.3.
Variant type: single nucleotide variant.
Coding change: c.8572G>A on transcript NM_004369.4 (MANE Select); coding-DNA position 8572, G replaced by A.
Protein change: p.Val2858Ile; replaces valine 2858 with isoleucine.
Molecular consequence: missense variant.
Genome position (GRCh38, 1-based): chr2:237,336,528, C>T on the plus strand (G>A on the coding strand, the complement: COL6A3 is on the minus strand). VCF-style: chr2-237336528-C-T. GRCh37 (hg19) VCF-style: chr2-238245171-C-T.
Other names: c.6751G>A, p.Val2251Ile (NM_057166.5); c.7954G>A, p.Val2652Ile (NM_057167.4); short protein forms V2858I, V2652I, V2251I.
Identifiers: ClinVar variation 128823 (VCV000128823.36), dbSNP rs111859552, ClinGen allele CA202881.
Genomic context (GRCh38, chr2:237,336,528, plus strand): 5'-TCACCGGCTTCGTTGTCGTCACTGGGTTGGATGTAGGACTTGAAGTAACGTTATTCGGAA[C>T]ATTTCTGTTAAGACAAATTAAATATTACCTCTACTTTTACCTGCTATCTAAAATAAATAA-3'
Protein context (NP_004360.2, residues 2848-2868): LVKFGHKQVN[Val2858Ile]PNNVTSSPTS

ClinVar aggregate classification (germline): Benign/Likely benign. Review status: criteria provided, multiple submitters, no conflicts (2 of 4 stars). 7 submissions from 7 submitters: Benign (5); Likely benign (2). Last evaluated 2026-01-27.

Conditions:
Collagen 6-related myopathy. Identifiers: MedGen CN117976, MONDO:0100225.
Bethlem myopathy 1A. Also called: Bethlem myopathy 1; Bethlem Muscular Dystrophy; MYOPATHY, BENIGN CONGENITAL, WITH CONTRACTURES. Identifiers: Orphanet 610, MedGen CN029274, MONDO:0024530, OMIM 158810.

Allele frequency attached by ClinVar (database versions not stated): gnomAD exomes 0.00045 and 0.00105; ExAC 0.00114; 1000 Genomes Project 0.00319; ESP Exome Variant Server 0.00346; gnomAD 0.00364 and 0.00388; 1000 Genomes Project 30x 0.00375; TOPMed 0.00390.
gnomAD v4.1: 1,252 of 1,614,136 alleles (0.078%); highest among the groups gnomAD compares: African/African-American, 1.2%; 15 homozygotes.

Submissions (7):

Labcorp Genetics (formerly Invitae), Labcorp
Classification: Benign for Bethlem myopathy 1A. Last evaluated: 2026-01-27. Review status: criteria provided, single submitter. Criteria: Invitae Variant Classification Sherloc (09022015). Collection method: clinical testing. Allele origin: germline.

CeGaT Center for Human Genetics Tuebingen
Classification: Benign. Last evaluated: 2025-07-01. Review status: criteria provided, single submitter. Criteria: CeGaT Center For Human Genetics Tuebingen Variant Classification Criteria Version 2. Collection method: clinical testing. Allele origin: germline. Affected: yes. Observed: 1 variant allele.
Comment: COL6A3: BP4, BS1, BS2

Illumina Laboratory Services, Illumina
Classification: Benign for Collagen VI-related myopathy. Last evaluated: 2018-01-13. Review status: criteria provided, single submitter. Criteria: ICSL Variant Classification Criteria 13 December 2019. Collection method: clinical testing. Allele origin: germline.
Comment: This variant was observed in the ICSL laboratory as part of a predisposition screen in an ostensibly healthy population. It had not been previously curated by ICSL or reported in the Human Gene Mutation Database (HGMD: prior to June 1st, 2018), and was therefore a candidate for classification through an automated scoring system. Utilizing variant allele frequency, disease prevalence and penetrance estimates, and inheritance mode, an automated score was calculated to assess if this variant is too frequent to cause the disease. Based on the score and internal cut-off values, a variant classified as benign is not then subjected to further curation. The score for this variant resulted in a classification of benign for this disease.

GeneDx
Classification: Benign. Last evaluated: 2017-04-17. Review status: criteria provided, single submitter. Criteria: GeneDx Variant Classification (06012015). Collection method: clinical testing. Allele origin: germline. Affected: yes.
Comment: This variant is considered likely benign or benign based on one or more of the following criteria: it is a conservative change, it occurs at a poorly conserved position in the protein, it is predicted to be benign by multiple in silico algorithms, and/or has population frequency not consistent with disease.

Genetic Services Laboratory, University of Chicago
Classification: Likely benign. Last evaluated: 2015-03-03. Review status: criteria provided, single submitter. Criteria: ACMG Guidelines, 2015. Collection method: clinical testing. Allele origin: germline.

Eurofins Ntd Llc (ga)
Classification: Benign. Last evaluated: 2015-01-23. Review status: criteria provided, single submitter. Criteria: EGL Classification Definitions 2015. Collection method: clinical testing. Allele origin: germline. Observed: 1 variant allele, 1 heterozygote.

Breakthrough Genomics
Classification: Likely benign. Review status: criteria provided, single submitter. Criteria: ACMG Guidelines, 2015. Collection method: not provided. Allele origin: germline. Inheritance: Autosomal recessive inheritance. Affected: yes.